The following is an entry in ClinVar:

NM_002108.4(HAL):c.423A>T (p.Thr141=)

Gene: HAL (histidine ammonia-lyase; minus strand). Cytogenetic location: 12q23.1.
Variant type: single nucleotide variant.
Coding change: c.423A>T on transcript NM_002108.4 (MANE Select); coding-DNA position 423, A replaced by T.
Protein change: p.Thr141=; no amino-acid change (threonine 141 retained).
Molecular consequence: synonymous variant. On other transcripts: 5 prime UTR variant (1).
Genome position (GRCh38, 1-based): chr12:95,993,987, T>A on the plus strand (A>T on the coding strand, the complement: HAL is on the minus strand). VCF-style: chr12-95993987-T-A. GRCh37 (hg19) VCF-style: chr12-96387765-T-A.
Other names: c.-135A>T (NM_001258333.2); c.423A>T, p.Thr141= (NM_001258334.2).
Identifiers: ClinVar variation 310721 (VCV000310721.8), dbSNP rs2302628, ClinGen allele CA6728007.

ClinVar aggregate classification (germline): Benign. Review status: criteria provided, multiple submitters, no conflicts (2 of 4 stars). 3 submissions from 3 submitters: Benign (2). 1 of the submissions does not count toward it. Last evaluated 2018-01-13.

Conditions:
HAL-related disorder. Also called: HAL-related condition.
Histidinemia. Also called: Hyperhistidinemia; Deficiency of histidine ammonia-lyase; HAL DEFICIENCY; HIS DEFICIENCY; HISTIDASE DEFICIENCY; HISTIDINE AMMONIA-LYASE DEFICIENCY. Identifiers: Orphanet 2157, MedGen C0220992, MONDO:0009345, OMIM 235800, HP:0010906.

Allele frequency attached by ClinVar (database versions not stated): ESP Exome Variant Server 0.06443; TOPMed 0.07281; gnomAD 0.07463 and 0.08193; gnomAD exomes 0.07529 and 0.09851; ExAC 0.09933; 1000 Genomes Project 30x 0.14460; 1000 Genomes Project 0.15355.
gnomAD v4.1: 122,784 of 1,610,728 alleles (7.6%); highest among the groups gnomAD compares: East Asian, 32%; 7,144 homozygotes.

Submissions (3):

Illumina Laboratory Services, Illumina
Classification: Benign for Histidinemia. Last evaluated: 2018-01-13. Review status: criteria provided, single submitter. Criteria: ICSL Variant Classification Criteria 13 December 2019. Collection method: clinical testing. Allele origin: germline.
Comment: This variant was observed in the ICSL laboratory as part of a predisposition screen in an ostensibly healthy population. It had not been previously curated by ICSL or reported in the Human Gene Mutation Database (HGMD: prior to June 1st, 2018), and was therefore a candidate for classification through an automated scoring system. Utilizing variant allele frequency, disease prevalence and penetrance estimates, and inheritance mode, an automated score was calculated to assess if this variant is too frequent to cause the disease. Based on the score and internal cut-off values, a variant classified as benign is not then subjected to further curation. The score for this variant resulted in a classification of benign for this disease.

Breakthrough Genomics
Classification: Benign. Review status: criteria provided, single submitter. Criteria: ACMG Guidelines, 2015. Collection method: not provided. Allele origin: germline. Inheritance: Autosomal recessive inheritance. Affected: yes.

PreventionGenetics, part of Exact Sciences
Classification: Benign for HAL-related condition. Last evaluated: 2019-11-08. Review status: no assertion criteria provided. Collection method: clinical testing. Allele origin: germline. Not counted in ClinVar's aggregate classification.
Comment: This variant is classified as benign based on ACMG/AMP sequence variant interpretation guidelines (Richards et al. 2015 PMID: 25741868, with internal and published modifications).